The following is an entry in ClinVar:

ClinVar aggregate classification (germline): Benign. Review status: criteria provided, multiple submitters, no conflicts (2 of 4 stars). 2 submissions from 2 submitters: Benign (2). Last evaluated 2018-06-14.

Allele frequency attached by ClinVar (database versions not stated): TOPMed 0.04690; gnomAD 0.04844 and 0.04849; 1000 Genomes Project 30x 0.05543; 1000 Genomes Project 0.05671.
gnomAD v4.1: 53,513 of 1,599,732 alleles (3.3%); highest among the groups gnomAD compares: African/African-American, 9.3%; 1,402 homozygotes.

Submissions (2):

GeneDx
Classification: Benign. Last evaluated: 2018-06-14. Review status: criteria provided, single submitter. Criteria: GeneDx Variant Classification (06012015). Collection method: clinical testing. Allele origin: germline. Affected: yes.
Comment: This variant is considered likely benign or benign based on one or more of the following criteria: it is a conservative change, it occurs at a poorly conserved position in the protein, it is predicted to be benign by multiple in silico algorithms, and/or has population frequency not consistent with disease.

Breakthrough Genomics
Classification: Benign. Review status: criteria provided, single submitter. Criteria: ACMG Guidelines, 2015. Collection method: not provided. Allele origin: germline. Inheritance: Autosomal recessive inheritance. Affected: yes.

NM_002474.3(MYH11):c.5295+76C>T

Genes: MYH11 (myosin heavy chain 11; minus strand), NDE1 (nudE neurodevelopment protein 1; plus strand). Cytogenetic location: 16p13.11.
Variant type: single nucleotide variant.
Coding change: c.5295+76C>T on transcript NM_002474.3 (MANE Select); 76 bases into the intron after coding-DNA position 5295, C replaced by T.
Molecular consequence: intron variant.
Genome position (GRCh38, 1-based): chr16:15,718,239, G>A on the plus strand (C>T on the coding strand, the complement: MYH11 is on the minus strand). VCF-style: chr16-15718239-G-A. GRCh37 (hg19) VCF-style: chr16-15812096-G-A.
Other names: c.948-5952G>A (NM_001143979.2, NM_017668.3); c.5295+76C>T (NM_022844.3); c.5316+76C>T (NM_001040114.2, NM_001040113.2).
Identifiers: ClinVar variation 675278 (VCV000675278.2), dbSNP rs12917928, ClinGen allele CA14262646.
Genomic context (GRCh38, chr16:15,718,239, plus strand): 5'-TCAGGCCCCACCACCCTCTTGTCCCTCAATCCAGGGCCTGCACACAGGAAGCCGCCACGC[G>A]TGTGTTGACTGGTGCAGGATCCTGCTGCAGGAGAGACAGTAGGCAGCGTGACTGTGGTGT-3'